The following is an entry in ClinVar:

NM_152703.5(SAMD9L):c.573T>A (p.Asn191Lys)

Gene: SAMD9L (sterile alpha motif domain containing 9 like; minus strand). Cytogenetic location: 7q21.2.
Variant type: single nucleotide variant.
Coding change: c.573T>A on transcript NM_152703.5 (MANE Select); coding-DNA position 573, T replaced by A.
Protein change: p.Asn191Lys; replaces asparagine 191 with lysine.
Molecular consequence: missense variant.
Genome position (GRCh38, 1-based): chr7:93,135,399, A>T on the plus strand (T>A on the coding strand, the complement: SAMD9L is on the minus strand). VCF-style: chr7-93135399-A-T. GRCh37 (hg19) VCF-style: chr7-92764712-A-T.
Other names: c.573T>A (NM_152703.3, NM_152703.2); c.573T>A, p.Asn191Lys (NM_001303496.3, NM_001303497.3, NM_001303498.3 and 5 more transcripts); short protein forms N191K.
Identifiers: ClinVar variation 1481223 (VCV001481223.10), dbSNP rs747429543, ClinGen allele CA4343847.

ClinVar aggregate classification (germline): Uncertain significance. Review status: criteria provided, multiple submitters, no conflicts (2 of 4 stars). 4 submissions from 4 submitters: Uncertain significance (4). Last evaluated 2026-10-01.

Conditions:
Ataxia-pancytopenia syndrome (ATXPC). Also called: SAMD9L-Related Syndrome; SAMD9L Ataxia-Pancytopenia Syndrome. Identifiers: Orphanet 2585, MedGen C1327919, MONDO:0008038, OMIM 159550.
Inborn genetic diseases. Identifiers: MedGen C0950123, MeSH D030342.

Allele frequency attached by ClinVar (database versions not stated): ExAC 0.00002; gnomAD exomes 0.00002; TOPMed 0.00003.
gnomAD v4.1: 12 of 1,614,026 alleles (0.00074%); highest among the groups gnomAD compares: Admixed American, 0.018%; no homozygotes.

Submissions (4):

St. Jude Molecular Pathology, St. Jude Children's Research Hospital
Classification: Uncertain significance for Ataxia-pancytopenia syndrome. Last evaluated: 2026-10-01. Review status: criteria provided, single submitter. Criteria: St. Jude Assertion Criteria 2020. Collection method: clinical testing. Allele origin: germline.
Comment: The SAMD9L c.573T>A p.(Asn191Lys) missense change has a maximum subpopulation frequency of 0.01% in gnomAD v2.1.1. The in silico tool REVEL predicts a benign effect on protein function, but to our knowledge this prediction has not been confirmed by functional studies. In silico predictions have not been found to correlate with syndromic risk and are not considered supporting evidence of a pathogenic or benign effect (PMID: 34621053). To our knowledge, this variant has not been reported in individuals with ataxia-pancytopenia syndrome or monosomy 7 myelodysplasia and leukemia syndrome. In summary, the evidence currently available is insufficient to determine the clinical significance of this variant. It has therefore been classified as of uncertain significance.

Labcorp Genetics (formerly Invitae), Labcorp
Classification: Uncertain significance. Last evaluated: 2025-08-26. Review status: criteria provided, single submitter. Criteria: Invitae Variant Classification Sherloc (09022015). Collection method: clinical testing. Allele origin: germline.
Comment: This sequence change replaces asparagine, which is neutral and polar, with lysine, which is basic and polar, at codon 191 of the SAMD9L protein (p.Asn191Lys). This variant is present in population databases (rs747429543, gnomAD 0.01%). This variant has not been reported in the literature in individuals affected with SAMD9L-related conditions. ClinVar contains an entry for this variant (Variation ID: 1481223). An algorithm developed to predict the effect of missense changes on protein structure and function (PolyPhen-2) suggests that this variant is likely to be disruptive. In summary, the available evidence is currently insufficient to determine the role of this variant in disease. Therefore, it has been classified as a Variant of Uncertain Significance.

Ambry Genetics
Classification: Uncertain significance for Inborn genetic diseases. Last evaluated: 2024-12-14. Review status: criteria provided, single submitter. Criteria: Ambry Variant Classification Scheme 2023. Collection method: clinical testing. Allele origin: germline.
Comment: The p.N191K variant (also known as c.573T>A), located in coding exon 1 of the SAMD9L gene, results from a T to A substitution at nucleotide position 573. The asparagine at codon 191 is replaced by lysine, an amino acid with similar properties. This amino acid position is conserved. In addition, this alteration is predicted to be tolerated by in silico analysis. Based on the available evidence, the clinical significance of this variant remains unclear.

GeneDx
Classification: Uncertain significance. Last evaluated: 2024-09-16. Review status: criteria provided, single submitter. Criteria: GeneDx Variant Classification Process June 2021. Collection method: clinical testing. Allele origin: germline. Affected: yes.
Comment: Not observed at significant frequency in large population cohorts (gnomAD); In silico analysis supports that this missense variant has a deleterious effect on protein structure/function; Has not been previously published as pathogenic or benign to our knowledge